The following is an entry in ClinVar:

ClinVar aggregate classification (germline): Uncertain significance (1 of 4 stars; one submission).

Conditions:
Microphthalmia, syndromic 11 (MCOPS11). Identifiers: MedGen C3553077, MONDO:0013734, OMIM 614402.

Submission:

Labcorp Genetics (formerly Invitae), Labcorp
Classification: Uncertain significance for Microphthalmia, syndromic 11. Last evaluated: 2017-04-30. Review status: criteria provided, single submitter. Criteria: Invitae Variant Classification Sherloc (09022015). Collection method: clinical testing. Allele origin: germline.
Comment: This variant is not present in population databases (ExAC no frequency) and has not been reported in the literature in individuals with a VAX1-related disease. This sequence change inserts 1 nucleotide in exon 3 of the VAX1 mRNA (c.993dupA), causing a frameshift at codon 332. It is expected to extend the length of the VAX1 protein by 11 amino acids. Experimental studies and prediction algorithms are not available for this variant, and the functional significance of the additional amino acids is currently unknown. In summary, this variant is a novel stop-loss variant with uncertain impact on protein function. Therefore, it has been classified as a Variant of Uncertain Significance.

NM_001112704.2(VAX1):c.993dup (p.Ala332fs)

Gene: VAX1 (ventral anterior homeobox 1; minus strand). Cytogenetic location: 10q25.3.
Variant type: Duplication.
Coding change: c.993dup on transcript NM_001112704.2 (MANE Select); coding-DNA position 993, one base duplicated (A; older notation c.993dupA).
Protein change: p.Ala332fs; shifts the reading frame from alanine 332.
Molecular consequence: frameshift variant. On other transcripts: intron variant (1).
Genome position (GRCh38, 1-based): chr10:117,134,020, T duplicated on the plus strand (A on the coding strand, the reverse complement: VAX1 is on the minus strand); the first of 6 consecutive T bases (chr10:117,134,020-117,134,025); duplicating any one gives the same sequence. VCF-style (leftmost placement, unchanged base first): chr10-117134019-C-CT. GRCh37 (hg19) VCF-style: chr10-118893530-C-CT.
Other names: c.993dupA (NM_001112704.1); c.430-1548dup (NM_199131.3); short protein forms A332fs.
Identifiers: ClinVar variation 473144 (VCV000473144.8), dbSNP rs1554942640, ClinGen allele CA658658017.